The following is an entry in ClinVar:

ClinVar aggregate classification (germline): Likely benign. Review status: criteria provided, multiple submitters, no conflicts (2 of 4 stars). 5 submissions from 5 submitters: Likely benign (5). Last evaluated 2025-04-09.

Conditions:
Cardiomyopathy (CMYO). Also called: Cardiomyopathies. Identifiers: Orphanet 167848, MedGen C0878544, MONDO:0004994, HP:0001638. Inheritance: Various modes of inheritance.
Hypertrophic cardiomyopathy. Also called: HYPERTROPHIC MYOCARDIOPATHY. Identifiers: Orphanet 217569, MedGen C0007194, MeSH D002312, MONDO:0005045, HP:0001639.

Allele frequency attached by ClinVar (database versions not stated): ExAC 0.00001; gnomAD 0.00001; gnomAD exomes 0.00001; TOPMed 0.00002.
gnomAD v4.1: 5 of 1,609,640 alleles (0.00031%); highest among the groups gnomAD compares: Non-Finnish European, 0.00042%; no homozygotes.

Submissions (5):

Molecular Diagnostic Laboratory for Inherited Cardiovascular Disease, Montreal Heart Institute
Classification: Likely benign. Last evaluated: 2025-04-09. Review status: criteria provided, single submitter. Criteria: ACMG Guidelines, 2015. Collection method: clinical testing. Allele origin: germline. Affected: no.

Blueprint Genetics
Classification: Likely benign. Last evaluated: 2024-03-12. Review status: criteria provided, single submitter. Criteria: ACMG Guidelines, 2015. Collection method: clinical testing. Allele origin: germline.

Labcorp Genetics (formerly Invitae), Labcorp
Classification: Likely benign for Hypertrophic cardiomyopathy. Last evaluated: 2023-09-10. Review status: criteria provided, single submitter. Criteria: Invitae Variant Classification Sherloc (09022015). Collection method: clinical testing. Allele origin: germline.

Color Diagnostics, LLC DBA Color Health
Classification: Likely benign for Cardiomyopathy. Last evaluated: 2018-12-31. Review status: criteria provided, single submitter. Criteria: ACMG Guidelines, 2015. Collection method: clinical testing. Allele origin: germline.

GeneDx
Classification: Likely benign. Last evaluated: 2016-07-22. Review status: criteria provided, single submitter. Criteria: GeneDx Variant Classification (06012015). Collection method: clinical testing. Allele origin: germline. Affected: yes.
Comment: This variant is considered likely benign or benign based on one or more of the following criteria: it is a conservative change, it occurs at a poorly conserved position in the protein, it is predicted to be benign by multiple in silico algorithms, and/or has population frequency not consistent with disease.

NC_000011.10:g.47343149G>C

Gene: MYBPC3 (myosin binding protein C3; minus strand). Cytogenetic location: 11p11.2.
Variant type: single nucleotide variant.
Genome position: GRCh38 VCF-style: chr11-47343149-G-C. GRCh37 (hg19) VCF-style: chr11-47364700-G-C.
Other names: c.1227-4C>G (LRG_386t1, NM_000256.3).
Identifiers: ClinVar variation 387950 (VCV000387950.15), dbSNP rs113628269, ClinGen allele CA077943.
Genomic context (GRCh38, chr11:47,343,149, plus strand): 5'-AATGAGCACTGGCTGATGGTCAGGGTACGCTTGGCACCGATGGACTCAAAGATGTACCTG[G>C]GTGGGGGCCGCAGGGAAGTGGCAGGAAAGCTGCGGACACCCCTCCGGGCCCAGTGCGCCC-3'